The following is an entry in ClinVar:

NM_001844.5(COL2A1):c.3961G>T (p.Glu1321Ter)

Gene: COL2A1 (collagen type II alpha 1 chain; minus strand). Cytogenetic location: 12q13.11.
Variant type: single nucleotide variant.
Coding change: c.3961G>T on transcript NM_001844.5 (MANE Select); coding-DNA position 3961, G replaced by T.
Protein change: p.Glu1321Ter; replaces glutamic acid 1321 with a stop codon.
Molecular consequence: nonsense.
Genome position (GRCh38, 1-based): chr12:47,974,788, C>A on the plus strand (G>T on the coding strand, the complement: COL2A1 is on the minus strand). VCF-style: chr12-47974788-C-A. GRCh37 (hg19) VCF-style: chr12-48368571-C-A.
Other names: c.3754G>T, p.Glu1252Ter (NM_033150.3); short protein forms E1321*, E1252*.
Identifiers: ClinVar variation 2120136 (VCV002120136.4), dbSNP rs748248022, ClinGen allele CA384535870.

ClinVar aggregate classification (germline): Pathogenic (1 of 4 stars; one submission).

Submission:

Labcorp Genetics (formerly Invitae), Labcorp
Classification: Pathogenic. Last evaluated: 2022-04-01. Review status: criteria provided, single submitter. Criteria: Invitae Variant Classification Sherloc (09022015). Collection method: clinical testing. Allele origin: germline.
Comment: For these reasons, this variant has been classified as Pathogenic. This variant has not been reported in the literature in individuals affected with COL2A1-related conditions. This variant is not present in population databases (gnomAD no frequency). This sequence change creates a premature translational stop signal (p.Glu1321*) in the COL2A1 gene. It is expected to result in an absent or disrupted protein product. Loss-of-function variants in COL2A1 are known to be pathogenic (PMID: 20179744).

Literature cited by the submitters: PubMed 20179744.